The following is an entry in ClinVar:

NM_001322934.2(NFKB2):c.2558G>A (p.Arg853Gln)

Gene: NFKB2 (nuclear factor kappa B subunit 2; plus strand). Cytogenetic location: 10q24.32.
Variant type: single nucleotide variant.
Coding change: c.2558G>A on transcript NM_001322934.2 (MANE Select); coding-DNA position 2558, G replaced by A.
Protein change: p.Arg853Gln; replaces arginine 853 with glutamine.
Molecular consequence: missense variant.
Genome position (GRCh38, 1-based): chr10:102,402,139, G>A. VCF-style: chr10-102402139-G-A. GRCh37 (hg19) VCF-style: chr10-104161896-G-A.
Other names: c.2558G>A, p.Arg853Gln (NM_001077494.3, NM_001261403.3, NM_001288724.1 and 1 more transcripts); c.2432G>A, p.Arg811Gln (NM_001322935.1); short protein forms R811Q, R853Q.
Identifiers: ClinVar variation 1510575 (VCV001510575.8), dbSNP rs377577926, ClinGen allele CA5665112.

ClinVar aggregate classification (germline): Uncertain significance (1 of 4 stars; one submission).

Conditions:
Immunodeficiency, common variable, 10. Also called: DEFICIT IN ANTERIOR PITUITARY FUNCTION AND VARIABLE IMMUNODEFICIENCY; IMMUNODEFICIENCY, COMMON VARIABLE, WITH CENTRAL ADRENAL INSUFFICIENCY. Identifiers: MedGen C3809991, MONDO:0014260, OMIM 615577.

Allele frequency attached by ClinVar (database versions not stated): gnomAD exomes 0.00002 and 0.00003; TOPMed 0.00005; ESP Exome Variant Server 0.00017.
gnomAD v4.1: 32 of 1,576,870 alleles (0.002%); highest among the groups gnomAD compares: African/African-American, 0.012%; no homozygotes.

Submission:

Labcorp Genetics (formerly Invitae), Labcorp
Classification: Uncertain significance for Immunodeficiency, common variable, 10. Last evaluated: 2026-01-04. Review status: criteria provided, single submitter. Criteria: Invitae Variant Classification Sherloc (09022015). Collection method: clinical testing. Allele origin: germline.
Comment: This sequence change replaces arginine, which is basic and polar, with glutamine, which is neutral and polar, at codon 853 of the NFKB2 protein (p.Arg853Gln). The frequency data for this variant in the population databases is considered unreliable, as metrics indicate poor data quality at this position in the gnomAD database. This variant has not been reported in the literature in individuals affected with NFKB2-related conditions. ClinVar contains an entry for this variant (Variation ID: 1510575). An algorithm developed to predict the effect of missense changes on protein structure and function outputs the following: PolyPhen-2: "Benign". The glutamine amino acid residue is found in multiple mammalian species, which suggests that this missense change does not adversely affect protein function. In summary, the available evidence is currently insufficient to determine the role of this variant in disease. Therefore, it has been classified as a Variant of Uncertain Significance.